The following is an entry in ClinVar:

ClinVar aggregate classification (germline): Uncertain significance. Review status: criteria provided, multiple submitters, no conflicts (2 of 4 stars). 2 submissions from 2 submitters: Uncertain significance (2). Last evaluated 2026-02-01.

Allele frequency attached by ClinVar (database versions not stated): gnomAD 0.00001; gnomAD exomes 0.00001; TOPMed 0.00001; ExAC 0.00002.
gnomAD v4.1: 11 of 1,612,822 alleles (0.00068%); highest among the groups gnomAD compares: Non-Finnish European, 0.00085%; no homozygotes.

Submissions (2):

Labcorp Genetics (formerly Invitae), Labcorp
Classification: Uncertain significance. Last evaluated: 2026-02-01. Review status: criteria provided, single submitter. Criteria: Invitae Variant Classification Sherloc (09022015). Collection method: clinical testing. Allele origin: germline.
Comment: This sequence change replaces leucine, which is neutral and non-polar, with proline, which is neutral and non-polar, at codon 1070 of the COL18A1 protein (p.Leu1070Pro). This variant is present in population databases (rs780961008, gnomAD 0.003%). This variant has not been reported in the literature in individuals affected with COL18A1-related conditions. ClinVar contains an entry for this variant (Variation ID: 1944029). Experimental studies and prediction algorithms are not available or were not evaluated, and the functional significance of this variant is currently unknown. In summary, the available evidence is currently insufficient to determine the role of this variant in disease. Therefore, it has been classified as a Variant of Uncertain Significance.

Blueprint Genetics
Classification: Uncertain significance. Last evaluated: 2022-11-29. Review status: criteria provided, single submitter. Criteria: ACMG Guidelines, 2015. Collection method: clinical testing. Allele origin: germline.

NM_001379500.1(COL18A1):c.3218T>C (p.Leu1073Pro)

Genes: COL18A1 (collagen type XVIII alpha 1 chain; plus strand), SLC19A1 (solute carrier family 19 member 1; minus strand). Cytogenetic location: 21q22.3.
Variant type: single nucleotide variant.
Coding change: c.3218T>C on transcript NM_001379500.1 (MANE Select); coding-DNA position 3218, T replaced by C.
Protein change: p.Leu1073Pro; replaces leucine 1073 with proline.
Molecular consequence: missense variant.
Genome position (GRCh38, 1-based): chr21:45,507,562, T>C. VCF-style: chr21-45507562-T-C. GRCh37 (hg19) VCF-style: chr21-46927476-T-C.
Other names: c.3749T>C, p.Leu1250Pro (NM_030582.4); c.4454T>C, p.Leu1485Pro (NM_130444.3); short protein forms L1485P, L1073P, L1250P.
Identifiers: ClinVar variation 1944029 (VCV001944029.4), dbSNP rs780961008, ClinGen allele CA10067791.
Genomic context (GRCh38, chr21:45,507,562, plus strand): 5'-AGGGCACCCTGGCTCAGGCCCAGCCGCAGGTCCTGGGTGACCCTGCTGCTTTCTTCCAGC[T>C]GGAGGCCCGGACACCACTCCCACGAGGGACGGTAAGGAGCCTTTTTTCTGTTGAGACTGG-3'
Protein context (NP_001366429.1, residues 1063-1083): RVQNGFRKVQ[Leu1073Pro]EARTPLPRGT